The following is an entry in ClinVar:

ClinVar aggregate classification (germline): Uncertain significance (1 of 4 stars; one submission).

Submission:

GeneDx
Classification: Uncertain significance. Last evaluated: 2022-12-12. Review status: criteria provided, single submitter. Criteria: GeneDx Variant Classification Process June 2021. Collection method: clinical testing. Allele origin: germline. Affected: yes.
Comment: Not observed at significant frequency in large population cohorts (gnomAD); In silico analysis supports that this missense variant does not alter protein structure/function; Has not been previously published as pathogenic or benign to our knowledge

NM_001303256.3(MORC2):c.1011C>G (p.Asn337Lys)

Gene: MORC2 (MORC family CW-type zinc finger 2; minus strand). Cytogenetic location: 22q12.2.
Variant type: single nucleotide variant.
Coding change: c.1011C>G on transcript NM_001303256.3 (MANE Select); coding-DNA position 1011, C replaced by G.
Protein change: p.Asn337Lys; replaces asparagine 337 with lysine.
Molecular consequence: missense variant.
Genome position (GRCh38, 1-based): chr22:30,939,683, G>C on the plus strand (C>G on the coding strand, the complement: MORC2 is on the minus strand). VCF-style: chr22-30939683-G-C. GRCh37 (hg19) VCF-style: chr22-31335670-G-C.
Other names: c.1011C>G, p.Asn337Lys (NM_001303257.2); c.825C>G, p.Asn275Lys (NM_014941.3); short protein forms N275K, N337K.
Identifiers: ClinVar variation 2505780 (VCV002505780.1), dbSNP rs2517595662, ClinGen allele CA411239850.